The following is an entry in ClinVar:

ClinVar aggregate classification (germline): Pathogenic/Likely pathogenic. Review status: criteria provided, multiple submitters, no conflicts (2 of 4 stars). 20 submissions from 19 submitters: Pathogenic (14); Likely pathogenic (3). 3 of the submissions do not count toward it. Last evaluated 2026-04-15.

Conditions:
Usher syndrome. Also called: Usher Syndromes; Usher's syndrome. Identifiers: Orphanet 886, MedGen CN469326, MeSH D052245, MONDO:0019501. Disease mechanism: loss of function.
USH2A-related disorder. Also called: USH2A-related condition; USH2A-related disorders. Identifiers: MedGen CN239332.
Retinal dystrophy. Also called: Inherited retinal dystrophy. Identifiers: Orphanet 71862, MedGen C0854723, MeSH D058499, MONDO:0019118, HP:0000556.
Retinitis pigmentosa 39 (RP39). Identifiers: Orphanet 791, MedGen C3151138, MONDO:0013436, OMIM 613809.
Usher syndrome type 2A. Also called: RETINAL DISEASE IN USHER SYNDROME TYPE IIA, MODIFIER OF; USHER SYNDROME, TYPE IIA. Identifiers: Orphanet 231178, Orphanet 886, MedGen C1848634, MONDO:0010169, OMIM 276901.
Hearing impairment. Also called: Impaired Hearing. Identifiers: MedGen C1384666, MONDO:0005365, HP:0000365.

Allele frequency attached by ClinVar (database versions not stated): gnomAD 0.00004; gnomAD exomes 0.00004 and 0.00005; TOPMed 0.00004; ExAC 0.00005; ESP Exome Variant Server 0.00008.
gnomAD v4.1: 72 of 1,613,330 alleles (0.0045%); highest among the groups gnomAD compares: Middle Eastern, 0.016%; no homozygotes.

Submissions (20):

PreventionGenetics, part of Exact Sciences
Classification: Pathogenic for USH2A-related condition. Last evaluated: 2026-04-15. Review status: criteria provided, single submitter. Criteria: ACMG Guidelines, 2015. Collection method: clinical testing. Allele origin: germline.
Comment: The USH2A c.908G>A variant is predicted to result in the amino acid substitution p.Arg303His. This variant has been reported in the compound heterozygous state with a pathogenic or likely pathogenic USH2A variant in multiple individuals with Usher Syndrome (Yan et al. 2009. PubMed ID: 19881469; Bonnet et al. 2011. PubMed ID: 21569298; Garcia-Garcia et al. 2011. PubMed ID: 22004887; Baux et al. 2014. PubMed ID: 24944099; Sanchez-Alcudia et al. 2014. PubMed ID: 25342620; Bravo-Gil et al. 2017. PubMed ID: 28157192; Eandi et al. 2017. PubMed ID: 29142287). This variant is reported in 0.0062% of alleles in individuals of European (Non-Finnish) descent in gnomAD. This variant has been classified as pathogenic or likely pathogenic by multiple independent submitters to the ClinVar databse (Variation ID: 284411). This variant is interpreted as pathogenic.

Natera, Inc.
Classification: Pathogenic for Usher syndrome type 2A. Last evaluated: 2025-12-12. Review status: criteria provided, single submitter. Criteria: Natera Variant Classification Schema (03/2026). Collection method: clinical testing. Allele origin: germline.
Comment: The c.908G>A variant in USH2A is a missense variant predicted to cause substitution of arginine to histidine at amino acid 303. This variant is rare in the general population with a frequency below the threshold expected for the associated phenotype(s). This variant has been observed in one or more individuals affected with the associated recessive disease, as either homozygous or compound heterozygous with a second variant (PMID: 30073356, 24944099). Given the available evidence, this variant is classified as Pathogenic.

Labcorp Genetics (formerly Invitae), Labcorp
Classification: Pathogenic. Last evaluated: 2025-12-09. Review status: criteria provided, single submitter. Criteria: Invitae Variant Classification Sherloc (09022015). Collection method: clinical testing. Allele origin: germline.
Comment: This sequence change replaces arginine, which is basic and polar, with histidine, which is basic and polar, at codon 303 of the USH2A protein (p.Arg303His). This variant is present in population databases (rs371777049, gnomAD 0.006%). This missense change has been observed in individual(s) with Usher syndrome and retinitis pigmentosa (PMID: 19881469, 25342620, 28157192). In at least one individual the data is consistent with being in trans (on the opposite chromosome) from a pathogenic variant. ClinVar contains an entry for this variant (Variation ID: 284411). Invitae Evidence Modeling of protein sequence and biophysical properties (such as structural, functional, and spatial information, amino acid conservation, physicochemical variation, residue mobility, and thermodynamic stability) indicates that this missense variant is not expected to disrupt USH2A protein function with a negative predictive value of 95%. This variant disrupts the p.Arg303 amino acid residue in USH2A. Other variant(s) that disrupt this residue have been observed in individuals with USH2A-related conditions (PMID: 14970843, 28157192), which suggests that this may be a clinically significant amino acid residue. For these reasons, this variant has been classified as Pathogenic.

Research Institute for Ophthalmology and Vision Science, Shahid Beheshti University of Medical Sciences
Classification: Pathogenic for Retinitis pigmentosa 39. Last evaluated: 2025-12-08. Review status: criteria provided, single submitter. Criteria: ACMG Guidelines, 2015. Collection method: research. Allele origin: inherited. Inheritance: Autosomal recessive inheritance. Affected: yes.
Comment: This variant has been observed in a compound heterozygous state with the variant rs778158900 in multiple affected individuals within the same family. In-silico prediction tools indicate that this variant is deleterious. It has also been reported in the literature in several individuals with Usher syndrome. ClinVar includes an entry for this variant (Variation ID: 284411).

GeneDx
Classification: Pathogenic. Last evaluated: 2025-02-06. Review status: criteria provided, single submitter. Criteria: GeneDx Variant Classification Process June 2021. Collection method: clinical testing. Allele origin: germline. Affected: yes.
Comment: Not observed at significant frequency in large population cohorts (gnomAD); In silico analysis supports that this missense variant has a deleterious effect on protein structure/function; This variant is associated with the following publications: (PMID: 21569298, 32531858, 19881469, 28157192, 30872814, 22004887, 31766479, 25342620, 24944099, 34426522, 31589614, 33576794, 31964843, 36460718, 36110214, 34781295, 35656873, 38219857, 36980924)

Blueprint Genetics
Classification: Pathogenic for USH2A-related disorders. Last evaluated: 2024-06-18. Review status: criteria provided, single submitter. Criteria: ACMG Guidelines, 2015. Collection method: clinical testing. Allele origin: germline. Affected: yes. Observed: 5 variant alleles.

Fulgent Genetics
Classification: Pathogenic for Usher syndrome type 2A; Retinitis pigmentosa 39. Last evaluated: 2024-05-13. Review status: criteria provided, single submitter. Criteria: ACMG Guidelines, 2015. Collection method: clinical testing. Allele origin: germline.

Baylor Genetics
Classification: Pathogenic for Retinitis pigmentosa 39. Last evaluated: 2024-02-20. Review status: criteria provided, single submitter. Criteria: ACMG Guidelines, 2015. Collection method: clinical testing. Allele origin: unknown.

Laboratory of Medical Genetics, National & Kapodistrian University of Athens
Classification: Pathogenic for Usher syndrome type 2A. Last evaluated: 2024-02-01. Review status: criteria provided, single submitter. Criteria: ACMG Guidelines, 2015. Collection method: curation. Allele origin: germline. Affected: no.

Genome-Nilou Lab
Classification: Likely pathogenic for Retinitis pigmentosa 39. Last evaluated: 2023-11-04. Review status: criteria provided, single submitter. Criteria: ACMG Guidelines, 2015. Collection method: clinical testing. Allele origin: germline. Affected: no.

Genome-Nilou Lab
Classification: Likely pathogenic for Usher syndrome type 2A. Last evaluated: 2023-11-04. Review status: criteria provided, single submitter. Criteria: ACMG Guidelines, 2015. Collection method: clinical testing. Allele origin: germline. Affected: no.

Women's Health and Genetics/Laboratory Corporation of America, LabCorp
Classification: Pathogenic for Usher syndrome. Last evaluated: 2022-04-27. Review status: criteria provided, single submitter. Criteria: LabCorp Variant Classification Summary - May 2015. Collection method: clinical testing. Allele origin: germline.
Comment: Variant summary: USH2A c.908G>A (p.Arg303His) results in a non-conservative amino acid change located in the Laminin, N-terminal domain (IPR008211) of the encoded protein sequence. Four of five in-silico tools predict a damaging effect of the variant on protein function. The variant allele was found at a frequency of 3.6e-05 in 250388 control chromosomes. c.908G>A has been reported in the literature in multiple individuals affected with Usher Syndrome (example, Sanchez-Alcudia_2014, Weisschuh_2020, Schrauwen_2019, Bonnet_2016). These data indicate that the variant is very likely to be associated with disease. To our knowledge, no experimental evidence demonstrating an impact on protein function has been reported. Ten clinical diagnostic laboratories have submitted clinical-significance assessments for this variant to ClinVar after 2014 without evidence for independent evaluation. All laboratories classified the variant as pathogenic/likely pathogenic. Based on the evidence outlined above, the variant was classified as pathogenic.

Institute of Human Genetics, University of Leipzig Medical Center
Classification: Likely pathogenic for Retinitis pigmentosa 39. Last evaluated: 2022-01-05. Review status: criteria provided, single submitter. Criteria: ACMG Guidelines, 2015. Collection method: clinical testing. Allele origin: unknown. Affected: yes.
Comment: This variant was identified as homozygous._x000D_ Criteria applied: PM3_STR, PM5, PM2_SUP, PP3

CeGaT Center for Human Genetics Tuebingen
Classification: Pathogenic. Last evaluated: 2021-07-01. Review status: criteria provided, single submitter. Criteria: CeGaT Center For Human Genetics Tuebingen Variant Classification Criteria Version 2. Collection method: clinical testing. Allele origin: germline. Affected: yes. Observed: 6 variant alleles.

Revvity Omics, Revvity
Classification: Pathogenic. Last evaluated: 2021-06-29. Review status: criteria provided, single submitter. Criteria: ACMG Guidelines, 2015. Collection method: clinical testing. Allele origin: germline.

Institute of Human Genetics, Univ. Regensburg, Univ. Regensburg
Classification: Pathogenic for Retinal dystrophy. Last evaluated: 2021-01-01. Review status: criteria provided, single submitter. Criteria: ACMG Guidelines, 2015. Collection method: clinical testing. Allele origin: germline. Affected: yes.

Eurofins Ntd Llc (ga)
Classification: Pathogenic. Last evaluated: 2015-12-01. Review status: criteria provided, single submitter. Criteria: EGL Classification Definitions 2015. Collection method: clinical testing. Allele origin: germline. Observed: 1 variant allele, 1 heterozygote.

Center for Statistical Genetics, Columbia University
Classification: Pathogenic for Hearing impairment. Last evaluated: 2018-10-08. Review status: no assertion criteria provided. Collection method: research. Allele origin: germline. Affected: yes. Not counted in ClinVar's aggregate classification.

Counsyl
Classification: Likely pathogenic for Retinitis pigmentosa 39. Last evaluated: 2017-04-12. Review status: no assertion criteria provided. Collection method: clinical testing. Allele origin: unknown. Not counted in ClinVar's aggregate classification.

University of Washington Center for Mendelian Genomics, University of Washington
Classification: Likely pathogenic for Hearing impairment. Review status: no assertion criteria provided. Collection method: research. Allele origin: inherited. Affected: yes. Not counted in ClinVar's aggregate classification.

Literature cited by the submitters: PubMed 30073356 (cited by Natera, Inc.); PubMed 24944099 (cited by 3 submitters); PubMed 19881469 (cited by 5 submitters); PubMed 25342620 (cited by 3 submitters); PubMed 28157192 (cited by Labcorp Genetics (formerly Invitae), Labcorp and Institute of Human Genetics, Univ. Regensburg, Univ. Regensburg); PubMed 14970843 (cited by Labcorp Genetics (formerly Invitae), Labcorp); PubMed 27460420 (cited by Women's Health and Genetics/Laboratory Corporation of America, LabCorp); PubMed 32531858 (cited by Women's Health and Genetics/Laboratory Corporation of America, LabCorp and Institute of Human Genetics, Univ. Regensburg, Univ. Regensburg); PubMed 30872814 (cited by 3 submitters); PubMed 31589614 (cited by Institute of Human Genetics, Univ. Regensburg, Univ. Regensburg); PubMed 31964843 (cited by Institute of Human Genetics, Univ. Regensburg, Univ. Regensburg); PubMed 33576794 (cited by Institute of Human Genetics, Univ. Regensburg, Univ. Regensburg); PubMed 34426522 (cited by Institute of Human Genetics, Univ. Regensburg, Univ. Regensburg); PubMed 34781295 (cited by Institute of Human Genetics, Univ. Regensburg, Univ. Regensburg); PubMed 35656873 (cited by Institute of Human Genetics, Univ. Regensburg, Univ. Regensburg); PubMed 36460718 (cited by Institute of Human Genetics, Univ. Regensburg, Univ. Regensburg); PubMed 21569298 (cited by Eurofins Ntd Llc (ga) and Counsyl); PubMed 22004887 (cited by Eurofins Ntd Llc (ga) and Counsyl).

NM_206933.4(USH2A):c.908G>A (p.Arg303His)

Gene: USH2A (usherin; minus strand). Cytogenetic location: 1q41.
Variant type: single nucleotide variant.
Coding change: c.908G>A on transcript NM_206933.4 (MANE Select); coding-DNA position 908, G replaced by A.
Protein change: p.Arg303His; replaces arginine 303 with histidine.
Molecular consequence: missense variant.
Genome position (GRCh38, 1-based): chr1:216,325,540, C>T on the plus strand (G>A on the coding strand, the complement: USH2A is on the minus strand). VCF-style: chr1-216325540-C-T. GRCh37 (hg19) VCF-style: chr1-216498882-C-T.
Other names: c.908G>A, p.Arg303His (NM_007123.6); short protein forms R303H.
Identifiers: ClinVar variation 284411 (VCV000284411.69), dbSNP rs371777049, ClinGen allele CA1396646.